The following is an entry in ClinVar:

ClinVar aggregate classification (germline): Uncertain significance. Review status: criteria provided, multiple submitters, no conflicts (2 of 4 stars). 2 submissions from 2 submitters: Uncertain significance (2). Last evaluated 2023-07-11.

Conditions:
Polycystic kidney disease, adult type (PKD1). Also called: Polycystic Kidney, Autosomal Dominant; Polycystic Kidney Disease 1, Autosomal Dominant; Polycystic kidney disease 1; Polycystic kidney disease 1, severe; POLYCYSTIC KIDNEY DISEASE 1 WITH OR WITHOUT POLYCYSTIC LIVER DISEASE; POLYCYSTIC KIDNEY DISEASE, ADULT, TYPE I. Identifiers: MedGen C3149841, MONDO:0008263, OMIM 173900.

Submissions (2):

Blueprint Genetics
Classification: Uncertain significance. Last evaluated: 2023-07-11. Review status: criteria provided, single submitter. Criteria: ACMG Guidelines, 2015. Collection method: clinical testing. Allele origin: germline.

Laboratorio de Genetica e Diagnostico Molecular, Hospital Israelita Albert Einstein
Classification: Uncertain significance for Polycystic kidney disease, adult type. Last evaluated: 2023-05-26. Review status: criteria provided, single submitter. Criteria: ACMG Guidelines, 2015. Collection method: clinical testing. Allele origin: germline. Affected: yes.
Comment: ACMG classification criteria: PM2 moderate, PP3 supporting

NM_001009944.3(PKD1):c.6236T>G (p.Phe2079Cys)

Gene: PKD1 (polycystin 1, transient receptor potential channel interacting; minus strand). Cytogenetic location: 16p13.3.
Variant type: single nucleotide variant.
Coding change: c.6236T>G on transcript NM_001009944.3 (MANE Select); coding-DNA position 6236, T replaced by G.
Protein change: p.Phe2079Cys; replaces phenylalanine 2079 with cysteine.
Molecular consequence: missense variant.
Genome position (GRCh38, 1-based): chr16:2,108,931, A>C on the plus strand (T>G on the coding strand, the complement: PKD1 is on the minus strand). VCF-style: chr16-2108931-A-C. GRCh37 (hg19) VCF-style: chr16-2158932-A-C.
Other names: c.6236T>G, p.Phe2079Cys (NM_000296.4); short protein forms F2079C.
Identifiers: ClinVar variation 4056732 (VCV004056732.2).